The following is an entry in ClinVar:

ClinVar aggregate classification (germline): Benign/Likely benign. Review status: criteria provided, multiple submitters, no conflicts (2 of 4 stars). 21 submissions from 14 submitters: Benign (13); Likely benign (5). 3 of the submissions do not count toward it. Last evaluated 2026-02-03.

Conditions:
Dilated cardiomyopathy 1G (CMD1G). Identifiers: Orphanet 154, MedGen C1858763, MONDO:0011400, OMIM 604145.
Autosomal recessive limb-girdle muscular dystrophy type 2J (LGMDR10). Also called: MUSCULAR DYSTROPHY, LIMB-GIRDLE, AUTOSOMAL RECESSIVE 10; Limb-girdle muscular dystrophy, type 2J. Identifiers: Orphanet 140922, MedGen C1837342, MONDO:0012127, OMIM 608807.
Cardiovascular phenotype. Identifiers: MedGen CN230736.
Cardiomyopathy (CMYO). Also called: Cardiomyopathies. Identifiers: Orphanet 167848, MedGen C0878544, MONDO:0004994, HP:0001638. Inheritance: Various modes of inheritance.
Early-onset myopathy with fatal cardiomyopathy (CMYO5). Also called: CONGENITAL MYOPATHY 5 WITH CARDIOMYOPATHY; Salih Myopathy. Identifiers: Orphanet 289377, MedGen C2673677, MONDO:0012714, OMIM 611705. Disease mechanism: loss of function.
Myopathy, myofibrillar, 9, with early respiratory failure (MFM9). Also called: Myopathy, distal, with early respiratory failure, autosomal dominant; Hereditary myopathy with early respiratory failure; MYOPATHY, PROXIMAL, WITH EARLY RESPIRATORY MUSCLE INVOLVEMENT; EDSTROM MYOPATHY. Identifiers: Orphanet 178464, Orphanet 34521, MedGen C1863599, MONDO:0011362, OMIM 603689.
Tibial muscular dystrophy (TMD). Also called: Udd Distal Myopathy – Tibial Muscular Dystrophy; Tibial muscular dystrophy, tardive; UDD MYOPATHY. Identifiers: Orphanet 609, MedGen C1838244, MONDO:0010870, OMIM 600334.

Allele frequency attached by ClinVar (database versions not stated): gnomAD 0.00054 and 0.00140; 1000 Genomes Project 0.00699; ESP Exome Variant Server 0.00050; TOPMed 0.00076; gnomAD exomes 0.00348 and 0.00171; 1000 Genomes Project 30x 0.00656; ExAC 0.00430.
gnomAD v4.1: 2,723 of 1,612,614 alleles (0.17%); highest among the groups gnomAD compares: South Asian, 2.6%; 59 homozygotes.

Submissions (21):

Labcorp Genetics (formerly Invitae), Labcorp
Classification: Benign for Dilated cardiomyopathy 1G; Autosomal recessive limb-girdle muscular dystrophy type 2J. Last evaluated: 2026-02-03. Review status: criteria provided, single submitter. Criteria: Invitae Variant Classification Sherloc (09022015). Collection method: clinical testing. Allele origin: germline.

Women's Health and Genetics/Laboratory Corporation of America, LabCorp
Classification: Benign. Last evaluated: 2023-08-19. Review status: criteria provided, single submitter. Criteria: LabCorp Variant Classification Summary - May 2015. Collection method: clinical testing. Allele origin: germline.

Genome-Nilou Lab
Classification: Benign for Autosomal recessive limb-girdle muscular dystrophy type 2J. Last evaluated: 2021-09-10. Review status: criteria provided, single submitter. Criteria: ACMG Guidelines, 2015. Collection method: clinical testing. Allele origin: germline. Affected: no.

Genome-Nilou Lab
Classification: Benign for Myopathy, myofibrillar, 9, with early respiratory failure. Last evaluated: 2021-09-10. Review status: criteria provided, single submitter. Criteria: ACMG Guidelines, 2015. Collection method: clinical testing. Allele origin: germline. Affected: no.

Genome-Nilou Lab
Classification: Benign for Early-onset myopathy with fatal cardiomyopathy. Last evaluated: 2021-09-10. Review status: criteria provided, single submitter. Criteria: ACMG Guidelines, 2015. Collection method: clinical testing. Allele origin: germline. Affected: no.

Genome-Nilou Lab
Classification: Benign for Tibial muscular dystrophy. Last evaluated: 2021-09-10. Review status: criteria provided, single submitter. Criteria: ACMG Guidelines, 2015. Collection method: clinical testing. Allele origin: germline. Affected: no.

Athena Diagnostics
Classification: Benign. Last evaluated: 2019-09-25. Review status: criteria provided, single submitter. Criteria: Athena Diagnostics Criteria. Collection method: clinical testing. Allele origin: unknown.

Ambry Genetics
Classification: Benign for Cardiovascular phenotype. Last evaluated: 2019-03-29. Review status: criteria provided, single submitter. Criteria: Ambry Variant Classification Scheme 2023. Collection method: clinical testing. Allele origin: germline.

Illumina Laboratory Services, Illumina
Classification: Likely benign for Dilated cardiomyopathy 1G. Last evaluated: 2018-01-12. Review status: criteria provided, single submitter. Criteria: ICSL Variant Classification Criteria 13 December 2019. Collection method: clinical testing. Allele origin: germline.
Comment: This variant was observed in the ICSL laboratory as part of a predisposition screen in an ostensibly healthy population. It had not been previously curated by ICSL or reported in the Human Gene Mutation Database (HGMD: prior to June 1st, 2018), and was therefore a candidate for classification through an automated scoring system. Utilizing variant allele frequency, disease prevalence and penetrance estimates, and inheritance mode, an automated score was calculated to assess if this variant is too frequent to cause the disease. Based on the score and internal cut-off values, a variant classified as likely benign is not then subjected to further curation. The score for this variant resulted in a classification of likely benign for this disease.

Illumina Laboratory Services, Illumina
Classification: Likely benign for Early-onset myopathy with fatal cardiomyopathy. Last evaluated: 2018-01-12. Review status: criteria provided, single submitter. Criteria: ICSL Variant Classification Criteria 13 December 2019. Collection method: clinical testing. Allele origin: germline.
Comment: the same text as in the submission from Illumina Laboratory Services, Illumina above.

Illumina Laboratory Services, Illumina
Classification: Likely benign for Autosomal recessive limb-girdle muscular dystrophy type 2J. Last evaluated: 2018-01-12. Review status: criteria provided, single submitter. Criteria: ICSL Variant Classification Criteria 13 December 2019. Collection method: clinical testing. Allele origin: germline.
Comment: the same text as in the submission from Illumina Laboratory Services, Illumina above.

Illumina Laboratory Services, Illumina
Classification: Benign for Myopathy, myofibrillar, 9, with early respiratory failure. Last evaluated: 2018-01-12. Review status: criteria provided, single submitter. Criteria: ICSL Variant Classification Criteria 13 December 2019. Collection method: clinical testing. Allele origin: germline.
Comment: This variant was observed in the ICSL laboratory as part of a predisposition screen in an ostensibly healthy population. It had not been previously curated by ICSL or reported in the Human Gene Mutation Database (HGMD: prior to June 1st, 2018), and was therefore a candidate for classification through an automated scoring system. Utilizing variant allele frequency, disease prevalence and penetrance estimates, and inheritance mode, an automated score was calculated to assess if this variant is too frequent to cause the disease. Based on the score and internal cut-off values, a variant classified as benign is not then subjected to further curation. The score for this variant resulted in a classification of benign for this disease.

Illumina Laboratory Services, Illumina
Classification: Benign for Tibial muscular dystrophy. Last evaluated: 2018-01-12. Review status: criteria provided, single submitter. Criteria: ICSL Variant Classification Criteria 13 December 2019. Collection method: clinical testing. Allele origin: germline.
Comment: the same text as in the submission from Illumina Laboratory Services, Illumina above.

CHEO Genetics Diagnostic Laboratory, Children's Hospital of Eastern Ontario
Classification: Benign for Cardiomyopathy. Last evaluated: 2016-01-06. Review status: criteria provided, single submitter. Criteria: ACMG Guidelines, 2015. Collection method: clinical testing. Allele origin: germline. Study: Canadian Open Genetics Repository.

Genetic Services Laboratory, University of Chicago
Classification: Likely benign. Last evaluated: 2015-04-04. Review status: criteria provided, single submitter. Criteria: ACMG Guidelines, 2015. Collection method: clinical testing. Allele origin: germline.

Laboratory for Molecular Medicine, Mass General Brigham Personalized Medicine
Classification: Benign. Last evaluated: 2014-11-20. Review status: criteria provided, single submitter. Criteria: LMM Criteria. Collection method: clinical testing. Allele origin: germline. Observed: 9 variant alleles.
Comment: p.Asn18724Asn in exon 256 of TTN: This variant is not expected to have clinical significance because it has been identified in 2.9% (469/16064) of South Asian c hromosomes by the Exome Aggregation Consortium (ExAC .org).

GeneDx
Classification: Benign. Last evaluated: 2014-09-30. Review status: criteria provided, single submitter. Criteria: GeneDx Variant Classification (06012015). Collection method: clinical testing. Allele origin: germline. Affected: yes.
Comment: This variant is considered likely benign or benign based on one or more of the following criteria: it is a conservative change, it occurs at a poorly conserved position in the protein, it is predicted to be benign by multiple in silico algorithms, and/or has population frequency not consistent with disease.

Breakthrough Genomics
Classification: Likely benign. Review status: criteria provided, single submitter. Criteria: ACMG Guidelines, 2015. Collection method: not provided. Allele origin: germline. Inheritance: Autosomal recessive inheritance. Affected: yes.

Clinical Genetics DNA and cytogenetics Diagnostics Lab, Erasmus MC, Erasmus Medical Center
Classification: Likely benign. Review status: no assertion criteria provided. Collection method: clinical testing. Allele origin: germline. Affected: yes. Study: VKGL Data-share Consensus. Not counted in ClinVar's aggregate classification.

Clinical Genetics, Academic Medical Center
Classification: Benign. Review status: no assertion criteria provided. Collection method: clinical testing. Allele origin: germline. Affected: yes. Study: VKGL Data-share Consensus. Not counted in ClinVar's aggregate classification.

Diagnostic Laboratory, Department of Genetics, University Medical Center Groningen
Classification: Likely benign. Review status: no assertion criteria provided. Collection method: clinical testing. Allele origin: germline. Affected: yes. Study: VKGL Data-share Consensus. Not counted in ClinVar's aggregate classification.

NM_001267550.2(TTN):c.63876C>T (p.Asn21292=)

Genes: TTN (titin; minus strand), TTN-AS1 (TTN antisense RNA 1; plus strand). Cytogenetic location: 2q31.2.
Variant type: single nucleotide variant.
Coding change: c.63876C>T on transcript NM_001267550.2 (MANE Select); coding-DNA position 63876, C replaced by T.
Protein change: p.Asn21292=; no amino-acid change (asparagine 21292 retained).
Molecular consequence: synonymous variant.
Genome position (GRCh38, 1-based): chr2:178,587,335, G>A on the plus strand (C>T on the coding strand, the complement: TTN is on the minus strand). VCF-style: chr2-178587335-G-A. GRCh37 (hg19) VCF-style: chr2-179452062-G-A.
Other names: p.N19651N:AAC>AAT; c.36681C>T, p.Asn12227= (NM_003319.4); c.56172C>T, p.Asn18724= (NM_133378.4); c.37056C>T, p.Asn12352= (NM_133432.3); c.37257C>T, p.Asn12419= (NM_133437.4); c.58953C>T, p.Asn19651= (NM_001256850.1).
Identifiers: ClinVar variation 47199 (VCV000047199.37), dbSNP rs199598302, ClinGen allele CA283579.